The following is an entry in ClinVar:

NM_005138.3(SCO2):c.757_775del (p.Ser253fs)

Genes: NCAPH2 (non-SMC condensin II complex subunit H2; plus strand), SCO2 (synthesis of cytochrome C oxidase 2; minus strand). Cytogenetic location: 22q13.33.
Variant type: Deletion.
Coding change: c.757_775del on transcript NM_005138.3 (MANE Select); coding-DNA positions 757 to 775, 19 bases deleted (AGTGTGCGGCGGCACATGG).
Protein change: p.Ser253fs; shifts the reading frame from serine 253.
Molecular consequence: frameshift variant. On other transcripts: 3 prime UTR variant (2).
Genome position (GRCh38, 1-based): chr22:50,523,637-50,523,655, CCATGTGCCGCCGCACACT deleted on the plus strand (AGTGTGCGGCGGCACATGG on the coding strand, the reverse complement: SCO2 is on the minus strand). VCF-style (leftmost placement, unchanged base first): chr22-50523636-GCCATGTGCCGCCGCACACT-G. GRCh37 (hg19) VCF-style: chr22-50962065-GCCATGTGCCGCCGCACACT-G.
Other names: c.*262_*280del (NM_001185011.2, NM_152299.4); c.757_775del, p.Ser253fs (NM_001169109.2, NM_001169110.1, NM_001169111.2); short protein forms S253fs.
Identifiers: ClinVar variation 5004011 (VCV005004011.1).

ClinVar aggregate classification (germline): Uncertain significance (1 of 4 stars; one submission).

Conditions:
Cardioencephalomyopathy, fatal infantile, due to cytochrome c oxidase deficiency 1 (MC4DN2). Also called: MITOCHONDRIAL COMPLEX IV DEFICIENCY, NUCLEAR TYPE 2; CYTOCHROME c OXIDASE DEFICIENCY, FATAL INFANTILE, WITH CARDIOENCEPHALOMYOPATHY. Identifiers: Orphanet 1561, MedGen C5399977, MONDO:0011451, OMIM 604377.

Submission:

Myriad Genetics, Inc.
Classification: Uncertain significance for Cardioencephalomyopathy, fatal infantile, due to cytochrome c oxidase deficiency 1. Last evaluated: 2025-10-16. Review status: criteria provided, single submitter. Criteria: Myriad Autosomal Dominant, Autosomal Recessive and X-Linked Classification Criteria (2023). Collection method: clinical testing. Allele origin: unknown.
Comment: NM_005138.2(SCO2):c.757_775del19(S253Rfs*18) is a frameshift variant that results in protein elongation classified as a variant of uncertain significance in the context of mitochondrial complex IV deficiency, SCO2-related. S253Rfs*18 has not been observed in cases with relevant disease. Relevant functional assessments of this variant are not available in the literature. S253Rfs*18 has not been observed in referenced population frequency databases. In summary, there is insufficient evidence to classify NM_005138.2(SCO2):c.757_775del19(S253Rfs*18) as pathogenic or benign. Please note: this variant was assessed in the context of healthy population screening.